The following is an entry in ClinVar:

ClinVar aggregate classification (germline): Uncertain significance (1 of 4 stars; one submission).

Conditions:
Familial cancer of breast. Also called: BREAST CANCER, FAMILIAL; Hereditary breast cancer; hereditary breast carcinoma. Identifiers: Orphanet 227535, MedGen C0346153, MONDO:0016419, OMIM 114480. Disease mechanism: loss of function.

Submission:

Labcorp Genetics (formerly Invitae), Labcorp
Classification: Uncertain significance for Familial cancer of breast. Last evaluated: 2020-09-09. Review status: criteria provided, single submitter. Criteria: Invitae Variant Classification Sherloc (09022015). Collection method: clinical testing. Allele origin: germline.
Comment: In summary, the available evidence is currently insufficient to determine the role of this variant in disease. Therefore, it has been classified as a Variant of Uncertain Significance. Algorithms developed to predict the effect of missense changes on protein structure and function are either unavailable or do not agree on the potential impact of this missense change (SIFT: "Deleterious"; PolyPhen-2: "Probably Damaging"; Align-GVGD: "Class C0"). This variant has not been reported in the literature in individuals with CHEK2-related conditions. This variant is not present in population databases (ExAC no frequency). This sequence change replaces lysine with asparagine at codon 253 of the CHEK2 protein (p.Lys253Asn). The lysine residue is highly conserved and there is a moderate physicochemical difference between lysine and asparagine.

NM_007194.4(CHEK2):c.759A>C (p.Lys253Asn)

Gene: CHEK2 (checkpoint kinase 2; minus strand). Cytogenetic location: 22q12.1.
Variant type: single nucleotide variant.
Coding change: c.759A>C on transcript NM_007194.4 (MANE Select); coding-DNA position 759, A replaced by C.
Protein change: p.Lys253Asn; replaces lysine 253 with asparagine.
Molecular consequence: missense variant.
Genome position (GRCh38, 1-based): chr22:28,711,942, T>G on the plus strand (A>C on the coding strand, the complement: CHEK2 is on the minus strand). VCF-style: chr22-28711942-T-G. GRCh37 (hg19) VCF-style: chr22-29107930-T-G.
Other names: c.888A>C, p.Lys296Asn (NM_001005735.3); c.96A>C, p.Lys32Asn (NM_001257387.3); c.558A>C, p.Lys186Asn (NM_001349956.3); c.759A>C, p.Lys253Asn (NM_145862.3); short protein forms K186N, K253N, K296N, K32N.
Identifiers: ClinVar variation 1053937 (VCV001053937.10), dbSNP rs876658377, ClinGen allele CA411103178.